The following is an entry in ClinVar:

NM_001035.3(RYR2):c.3805G>C (p.Glu1269Gln)

Genes: RYR2 (ryanodine receptor 2; plus strand), LOC126806067 (BRD4-independent group 4 enhancer GRCh37_chr1:237753258-237754457; plus strand). Cytogenetic location: 1q43.
Variant type: single nucleotide variant.
Coding change: c.3805G>C on transcript NM_001035.3 (MANE Select); coding-DNA position 3805, G replaced by C.
Protein change: p.Glu1269Gln; replaces glutamic acid 1269 with glutamine.
Molecular consequence: missense variant.
Genome position (GRCh38, 1-based): chr1:237,589,999, G>C. VCF-style: chr1-237589999-G-C. GRCh37 (hg19) VCF-style: chr1-237753299-G-C.
Other names: short protein forms E1269Q.
Identifiers: ClinVar variation 1430609 (VCV001430609.9), dbSNP rs763766154, ClinGen allele CA086445.
Genomic context (GRCh38, chr1:237,589,999, plus strand): 5'-ATGTGGCTGAGCAAGAGGCTTCCTCAGTTTCTTCAAGTTCCATCAAACCATGAACATATA[G>C]AGGTTTGCTTTTTCTTTAAAAATCAGGCCATTTCTAAAAAGCAGGAAAAGAATATCTTTA-3'
Protein context (NP_001026.2, residues 1259-1279): LQVPSNHEHI[Glu1269Gln]VTRIDGTIDS

ClinVar aggregate classification (germline): Uncertain significance (1 of 4 stars; one submission).

Conditions:
Catecholaminergic polymorphic ventricular tachycardia 1. Also called: VENTRICULAR TACHYCARDIA, CATECHOLAMINERGIC POLYMORPHIC, 1, WITH OR WITHOUT ATRIAL DYSFUNCTION AND/OR DILATED CARDIOMYOPATHY; RYR2-Related Catecholaminergic Polymorphic Ventricular Tachycardia; VENTRICULAR TACHYCARDIA, STRESS-INDUCED POLYMORPHIC 1. Identifiers: Orphanet 3286, MedGen C1631597, MONDO:0011484, OMIM 604772.

Allele frequency attached by ClinVar (database versions not stated): gnomAD exomes below 0.00001 and 0.00001; ExAC 0.00001; TOPMed 0.00001.
gnomAD v4.1: 3 of 1,610,296 alleles (0.00019%); highest among the groups gnomAD compares: Admixed American, 0.0034%; no homozygotes.

Submission:

Labcorp Genetics (formerly Invitae), Labcorp
Classification: Uncertain significance for Catecholaminergic polymorphic ventricular tachycardia 1. Last evaluated: 2024-04-09. Review status: criteria provided, single submitter. Criteria: Invitae Variant Classification Sherloc (09022015). Collection method: clinical testing. Allele origin: germline.
Comment: This sequence change replaces glutamic acid, which is acidic and polar, with glutamine, which is neutral and polar, at codon 1269 of the RYR2 protein (p.Glu1269Gln). This variant is present in population databases (rs763766154, gnomAD 0.006%). This variant has not been reported in the literature in individuals affected with RYR2-related conditions. ClinVar contains an entry for this variant (Variation ID: 1430609). An algorithm developed to predict the effect of missense changes on protein structure and function (PolyPhen-2) suggests that this variant is likely to be tolerated. In summary, the available evidence is currently insufficient to determine the role of this variant in disease. Therefore, it has been classified as a Variant of Uncertain Significance.